The following is an entry in ClinVar:

ClinVar aggregate classification (germline): Uncertain significance. Review status: criteria provided, multiple submitters, no conflicts (2 of 4 stars). 2 submissions from 2 submitters: Uncertain significance (2). Last evaluated 2023-08-22.

Conditions:
Ataxia-telangiectasia syndrome (AT). Also called: AT, COMPLEMENTATION GROUP C; Ataxia telangiectasia (A-T); LOUIS-BAR SYNDROME; Cerebello-oculocutaneous telangiectasia; Immunodeficiency with ataxia telangiectasia; Ataxia-telangiectasia, complementation group D. Identifiers: Orphanet 100, MedGen C0004135, MONDO:0008840, OMIM 208900.
Hereditary cancer-predisposing syndrome. Also called: Neoplastic Syndromes, Hereditary; Hereditary Cancer Syndrome; Hereditary neoplastic syndrome; Tumor predisposition. Identifiers: Orphanet 140162, MedGen C0027672, MeSH D009386, MONDO:0015356.

Allele frequency attached by ClinVar (database versions not stated): ExAC 0.00001; gnomAD exomes 0.00001.
gnomAD v4.1: 8 of 1,613,620 alleles (0.0005%); highest among the groups gnomAD compares: Admixed American, 0.0017%; no homozygotes.

Submissions (2):

Ambry Genetics
Classification: Uncertain significance for Hereditary cancer-predisposing syndrome. Last evaluated: 2023-08-22. Review status: criteria provided, single submitter. Criteria: Ambry Variant Classification Scheme 2023. Collection method: clinical testing. Allele origin: germline.
Comment: The p.F1445L variant (also known as c.4335T>G), located in coding exon 28 of the ATM gene, results from a T to G substitution at nucleotide position 4335. The phenylalanine at codon 1445 is replaced by leucine, an amino acid with highly similar properties. This amino acid position is highly conserved in available vertebrate species. In addition, this alteration is predicted to be deleterious by in silico analysis. Since supporting evidence is limited at this time, the clinical significance of this alteration remains unclear.

Labcorp Genetics (formerly Invitae), Labcorp
Classification: Uncertain significance for Ataxia-telangiectasia syndrome. Last evaluated: 2021-12-03. Review status: criteria provided, single submitter. Criteria: Invitae Variant Classification Sherloc (09022015). Collection method: clinical testing. Allele origin: germline.
Comment: This sequence change replaces phenylalanine, which is neutral and non-polar, with leucine, which is neutral and non-polar, at codon 1445 of the ATM protein (p.Phe1445Leu). This variant is present in population databases (rs761225071, gnomAD 0.003%). This variant has not been reported in the literature in individuals affected with ATM-related conditions. Advanced modeling of protein sequence and biophysical properties (such as structural, functional, and spatial information, amino acid conservation, physicochemical variation, residue mobility, and thermodynamic stability) performed at Invitae indicates that this missense variant is not expected to disrupt ATM protein function. In summary, the available evidence is currently insufficient to determine the role of this variant in disease. Therefore, it has been classified as a Variant of Uncertain Significance.

NM_000051.4(ATM):c.4335T>G (p.Phe1445Leu)

Gene: ATM (ATM serine/threonine kinase; plus strand). Cytogenetic location: 11q22.3.
Variant type: single nucleotide variant.
Coding change: c.4335T>G on transcript NM_000051.4 (MANE Select); coding-DNA position 4335, T replaced by G.
Protein change: p.Phe1445Leu; replaces phenylalanine 1445 with leucine.
Molecular consequence: missense variant.
Genome position (GRCh38, 1-based): chr11:108,289,700, T>G. VCF-style: chr11-108289700-T-G. GRCh37 (hg19) VCF-style: chr11-108160427-T-G.
Other names: c.4335T>G, p.Phe1445Leu (NM_001351834.2); short protein forms F1445L.
Identifiers: ClinVar variation 2158834 (VCV002158834.3), dbSNP rs761225071, ClinGen allele CA6265437.